The following is an entry in ClinVar:

NM_000059.4(BRCA2):c.8222dup (p.Asn2742fs)

Gene: BRCA2 (BRCA2 DNA repair associated; plus strand). Cytogenetic location: 13q13.1.
Variant type: Duplication.
Coding change: c.8222dup on transcript NM_000059.4 (MANE Select); coding-DNA position 8222, one base duplicated (A; older notation c.8222dupA).
Protein change: p.Asn2742fs; shifts the reading frame from asparagine 2742.
Molecular consequence: frameshift variant. On other transcripts: non-coding transcript variant (1).
Genome position (GRCh38, 1-based): chr13:32,363,424, A duplicated; the last of 3 consecutive A bases (chr13:32,363,422-32,363,424); duplicating any one gives the same sequence. VCF-style (leftmost placement, unchanged base first): chr13-32363421-T-TA. GRCh37 (hg19) VCF-style: chr13-32937558-T-TA.
Other names: c.8126dup, p.Asn2710fs (NM_001406719.1); c.8222dup, p.Asn2742fs (NM_001406720.1); c.3290dup, p.Asn1098fs (NM_001406721.1); c.1805dup, p.Asn603fs (NM_001406722.1); c.8222dupA (NM_000059.3); short protein forms N2710fs, N2742fs, N603fs, N1098fs.
Identifiers: ClinVar variation 3261656 (VCV003261656.1).

ClinVar aggregate classification (germline): Pathogenic (1 of 4 stars; one submission).

Conditions:
Hereditary cancer-predisposing syndrome. Also called: Hereditary Cancer Syndrome; Tumor predisposition; Hereditary neoplastic syndrome; Neoplastic Syndromes, Hereditary. Identifiers: Orphanet 140162, MedGen C0027672, MeSH D009386, MONDO:0015356.

Submission:

Ambry Genetics
Classification: Pathogenic for Hereditary cancer-predisposing syndrome. Last evaluated: 2024-06-17. Review status: criteria provided, single submitter. Criteria: Ambry Variant Classification Scheme 2023. Collection method: clinical testing. Allele origin: germline.
Comment: The c.8222dupA pathogenic mutation, located in coding exon 17 of the BRCA2 gene, results from a duplication of A at nucleotide position 8222, causing a translational frameshift with a predicted alternate stop codon (p.N2742Efs*22). This variant is considered to be rare based on population cohorts in the Genome Aggregation Database (gnomAD). This alteration is expected to result in loss of function by premature protein truncation or nonsense-mediated mRNA decay. As such, this alteration is interpreted as a disease-causing mutation.